The following is an entry in ClinVar:

ClinVar aggregate classification (germline): Uncertain significance (1 of 4 stars; one submission).

Conditions:
BBS1-related disorder. Also called: BBS1-related condition.

Submission:

PreventionGenetics, part of Exact Sciences
Classification: Uncertain significance for BBS1-related condition. Last evaluated: 2025-05-15. Review status: criteria provided, single submitter. Criteria: ACMG Guidelines, 2015. Collection method: clinical testing. Allele origin: germline.
Comment: The BBS1 c.291T>G variant is predicted to result in the amino acid substitution p.His97Gln. To our knowledge, this variant has not been reported in the literature or in a large population database (gnomAD), indicating this variant is rare. At this time, the clinical significance of this variant is uncertain due to the absence of conclusive functional and genetic evidence.

NM_024649.5(BBS1):c.291T>G (p.His97Gln)

Gene: BBS1 (Bardet-Biedl syndrome 1; plus strand). Cytogenetic location: 11q13.2.
Variant type: single nucleotide variant.
Coding change: c.291T>G on transcript NM_024649.5 (MANE Select); coding-DNA position 291, T replaced by G.
Protein change: p.His97Gln; replaces histidine 97 with glutamine.
Molecular consequence: missense variant.
Genome position (GRCh38, 1-based): chr11:66,514,537, T>G. VCF-style: chr11-66514537-T-G. GRCh37 (hg19) VCF-style: chr11-66282008-T-G.
Other names: short protein forms H97Q.
Identifiers: ClinVar variation 4999673 (VCV004999673.1).